The following is an entry in ClinVar:

NM_004366.6(CLCN2):c.2377G>A (p.Ala793Thr)

Gene: CLCN2 (chloride voltage-gated channel 2; minus strand). Cytogenetic location: 3q27.1.
Variant type: single nucleotide variant.
Coding change: c.2377G>A on transcript NM_004366.6 (MANE Select); coding-DNA position 2377, G replaced by A.
Protein change: p.Ala793Thr; replaces alanine 793 with threonine.
Molecular consequence: missense variant.
Genome position (GRCh38, 1-based): chr3:184,352,051, C>T on the plus strand (G>A on the coding strand, the complement: CLCN2 is on the minus strand). VCF-style: chr3-184352051-C-T. GRCh37 (hg19) VCF-style: chr3-184069839-C-T.
Other names: c.2326G>A, p.Ala776Thr (NM_001171087.3); c.2245G>A, p.Ala749Thr (NM_001171088.3); c.2377G>A, p.Ala793Thr (NM_001171089.3); short protein forms A793T, A749T, A776T.
Identifiers: ClinVar variation 4615892 (VCV004615892.1).

ClinVar aggregate classification (germline): Uncertain significance (1 of 4 stars; one submission).

Conditions:
Inborn genetic diseases. Identifiers: MedGen C0950123, MeSH D030342.

gnomAD v4.1: 5 of 1,613,772 alleles (0.00031%); highest among the groups gnomAD compares: African/African-American, 0.0027%; no homozygotes.

Submission:

Ambry Genetics
Classification: Uncertain significance for Inborn genetic diseases. Last evaluated: 2025-10-21. Review status: criteria provided, single submitter. Criteria: Ambry Variant Classification Scheme 2023. Collection method: clinical testing. Allele origin: germline.
Comment: The c.2377G>A (p.A793T) alteration is located in exon 22 (coding exon 22) of the CLCN2 gene. This alteration results from a G to A substitution at nucleotide position 2377, causing the alanine (A) at amino acid position 793 to be replaced by a threonine (T). Based on data from gnomAD, the A allele has an overall frequency of <0.001% (1/251416) total alleles studied. The highest observed frequency was 0.001% (1/113728) of European (non-Finnish) alleles. Based on insufficient or conflicting evidence, the clinical significance of this alteration remains unclear.